The following is an entry in ClinVar:

NM_000059.4(BRCA2):c.718_719del (p.Leu240fs)

Gene: BRCA2 (BRCA2 DNA repair associated; plus strand). Cytogenetic location: 13q13.1.
Variant type: Deletion.
Coding change: c.718_719del on transcript NM_000059.4 (MANE Select); coding-DNA positions 718 to 719, 2 bases deleted (CT; older notation c.718_719delCT).
Protein change: p.Leu240fs; shifts the reading frame from leucine 240.
Molecular consequence: frameshift variant.
Genome position (GRCh38, 1-based): chr13:32,330,955-32,330,956, CT deleted; deleting any 2 consecutive bases within chr13:32,330,954-32,330,956 gives the same sequence; the c. name uses the placement nearest the transcript's 3' end. VCF-style (leftmost placement, unchanged base first): chr13-32330953-GTC-G. GRCh37 (hg19) VCF-style: chr13-32905090-GTC-G.
Other names: c.718_719delCT (NM_000059.3); short protein forms L240fs.
Identifiers: ClinVar variation 495496 (VCV000495496.9), dbSNP rs1555281459, ClinGen allele CA658683831.

ClinVar aggregate classification (germline): Pathogenic/Likely pathogenic. Review status: criteria provided, multiple submitters, no conflicts (2 of 4 stars). 2 submissions from 2 submitters: Pathogenic (1); Likely pathogenic (1). Last evaluated 2019-09-26.

Conditions:
Hereditary breast ovarian cancer syndrome. Also called: Hereditary breast and/or ovarian cancer syndrome; BRCA1- and BRCA2-Associated Hereditary Breast and Ovarian Cancer; Breast and ovarian cancer; Hereditary breast and ovarian cancer; Hereditary breast and ovarian cancer syndrome; Hereditary breast and ovarian cancer syndrome (HBOC). Identifiers: Orphanet 145, MedGen C0677776, MeSH D061325, MONDO:0003582. Disease mechanism: loss of function.

Submissions (2):

Labcorp Genetics (formerly Invitae), Labcorp
Classification: Pathogenic for Hereditary breast ovarian cancer syndrome. Last evaluated: 2019-09-26. Review status: criteria provided, single submitter. Criteria: Invitae Variant Classification Sherloc (09022015). Collection method: clinical testing. Allele origin: germline.
Comment: This sequence change creates a premature translational stop signal (p.Leu240Glufs*4) in the BRCA2 gene. It is expected to result in an absent or disrupted protein product. This variant is not present in population databases (ExAC no frequency). This variant has not been reported in the literature in individuals with BRCA2-related conditions. ClinVar contains an entry for this variant (Variation ID: 495496). Loss-of-function variants in BRCA2 are known to be pathogenic (PMID: 20104584). For these reasons, this variant has been classified as Pathogenic.

Women's Health and Genetics/Laboratory Corporation of America, LabCorp
Classification: Likely pathogenic for Hereditary breast ovarian cancer syndrome. Last evaluated: 2016-10-03. Review status: criteria provided, single submitter. Criteria: LabCorp Variant Classification Summary - May 2015. Collection method: clinical testing. Allele origin: germline.
Comment: Variant summary: The BRCA2 c.718_719delCT (p.Leu240Glufs) variant results in a premature termination codon, predicted to cause a truncated or absent BRCA2 protein due to nonsense mediated decay, which are commonly known mechanisms for disease. Truncations downstream of this position have been classified as pathogenic by our laboratory (e.g. c.755_758delACAG (p.Asp252fs), and c.778_779delGA (p.Glu260fs)). The variant of interest was not observed in controls (ExAC, 1000 Gs, or ESP), nor has it been, to our knowledge, reported in affected individuals via publications and/or reputable clinical diagnostic laboratories/databases. Therefore, taking all available lines of evidence into consideration, the variant of interest has been classified as likely pathogenic until additional information becomes available.

Literature cited by the submitters: PubMed 20104584 (cited by Labcorp Genetics (formerly Invitae), Labcorp).